The following is an entry in ClinVar:

ClinVar aggregate classification (germline): Pathogenic (1 of 4 stars; one submission).

Submission:

Labcorp Genetics (formerly Invitae), Labcorp
Classification: Pathogenic. Last evaluated: 2023-01-22. Review status: criteria provided, single submitter. Criteria: Invitae Variant Classification Sherloc (09022015). Collection method: clinical testing. Allele origin: germline.
Comment: For these reasons, this variant has been classified as Pathogenic. This variant has not been reported in the literature in individuals affected with DUOX2-related conditions. This variant is a gross deletion of the genomic region encompassing exon(s) 21 of the DUOX2 gene. This deletion is out-of-frame, and is expected to create a premature termination codon and result in an absent or disrupted protein product. Loss-of-function variants in DUOX2 are known to be pathogenic (PMID: 12110737, 18765513, 21565790, 24423310, 24735383).

Literature cited by the submitters: PubMed 12110737; PubMed 18765513; PubMed 21565790; PubMed 24423310; PubMed 24735383.

NC_000015.9:g.(?_45393971)_(45394207_?)del

Gene: DUOX2 (dual oxidase 2; minus strand). Cytogenetic location: 15q21.1.
Variant type: Deletion.
Identifiers: ClinVar variation 2425890 (VCV002425890.4).